The following is an entry in ClinVar:

NM_001184.4(ATR):c.3669A>G (p.Ile1223Met)

Gene: ATR (ATR checkpoint kinase; minus strand). Cytogenetic location: 3q23.
Variant type: single nucleotide variant.
Coding change: c.3669A>G on transcript NM_001184.4 (MANE Select); coding-DNA position 3669, A replaced by G.
Protein change: p.Ile1223Met; replaces isoleucine 1223 with methionine.
Molecular consequence: missense variant.
Genome position (GRCh38, 1-based): chr3:142,538,538, T>C on the plus strand (A>G on the coding strand, the complement: ATR is on the minus strand). VCF-style: chr3-142538538-T-C. GRCh37 (hg19) VCF-style: chr3-142257380-T-C.
Other names: c.3477A>G, p.Ile1159Met (NM_001354579.2); short protein forms I1159M, I1223M.
Identifiers: ClinVar variation 1733741 (VCV001733741.3), dbSNP rs763495773, ClinGen allele CA2650041.
Genomic context (GRCh38, chr3:142,538,538, plus strand): 5'-ATACCTGTTTTCAATTATGAGGTAGTGGAAGATAGCTGCAGTTTCTTTAGGCTGGATGTG[T>C]ATAAGAGGTAACAAAGCTACTATTACATGACTGAGAAGGGAGCCCAGACAAGCATGATCC-3'
Protein context (NP_001175.2, residues 1213-1233): SHVIVALLPL[Ile1223Met]HIQPKETAAI

ClinVar aggregate classification (germline): Uncertain significance (1 of 4 stars; one submission).

Conditions:
Inborn genetic diseases. Identifiers: MedGen C0950123, MeSH D030342.

Allele frequency attached by ClinVar (database versions not stated): ExAC 0.00001.

Submission:

Ambry Genetics
Classification: Uncertain significance for Inborn genetic diseases. Last evaluated: 2024-06-30. Review status: criteria provided, single submitter. Criteria: Ambry Variant Classification Scheme 2023. Collection method: clinical testing. Allele origin: germline.
Comment: The p.I1223M variant (also known as c.3669A>G), located in coding exon 19 of the ATR gene, results from an A to G substitution at nucleotide position 3669. The isoleucine at codon 1223 is replaced by methionine, an amino acid with highly similar properties. This amino acid position is conserved. In addition, this alteration is predicted to be tolerated by in silico analysis. Since supporting evidence is limited at this time, the clinical significance of this alteration remains unclear.